The following is an entry in ClinVar:

ClinVar aggregate classification (germline): Uncertain significance. Review status: reviewed by expert panel (3 of 4 stars). 9 submissions from 9 submitters: Uncertain significance (1). 8 of the submissions do not count toward it. Last evaluated 2024-11-26.

Conditions:
ATM-related cancer predisposition. Also called: ATM-related cancer susceptibility. Identifiers: MedGen CN377759, MONDO:0700270.
Hereditary cancer-predisposing syndrome. Also called: Neoplastic Syndromes, Hereditary; Hereditary Cancer Syndrome; Tumor predisposition; Hereditary neoplastic syndrome. Identifiers: Orphanet 140162, MedGen C0027672, MeSH D009386, MONDO:0015356.
Familial cancer of breast. Also called: BREAST CANCER, FAMILIAL; hereditary breast carcinoma; Hereditary breast cancer. Identifiers: Orphanet 227535, MedGen C0346153, MONDO:0016419, OMIM 114480. Disease mechanism: loss of function.
Ataxia-telangiectasia syndrome (AT). Also called: Ataxia-telangiectasia, complementation group D; AT, COMPLEMENTATION GROUP C; Ataxia-telangiectasia; ATAXIA-TELANGIECTASIA, COMPLEMENTATION GROUP A; ATAXIA-TELANGIECTASIA, FRESNO VARIANT; Ataxia-telangiectasia, complementation group E. Identifiers: Orphanet 100, MedGen C0004135, MONDO:0008840, OMIM 208900.

Submissions (9):

ClinGen Hereditary Breast, Ovarian and Pancreatic Cancer Variant Curation Expert Panel, ClinGen
Classification: Uncertain significance for ATM-related cancer predisposition. Last evaluated: 2024-11-26. Review status: reviewed by expert panel. Criteria: ClinGen HBOP ACMG Specifications ATM V1.3.0. Collection method: curation. Allele origin: germline. Inheritance: Autosomal dominant inheritance.
Comment: The c.5858C>T variant in ATM is a missense variant predicted to cause substitution of threonine by isoleucine at amino acid 1953 (p.Thr1953Ile). This variant has been detected in at least 2 individuals with Ataxia-Telangiectasia (PMID: 18634022, 26896183). This variant is absent from gnomAD v2.1.1. Additionally, experimental studies showed that this variant impacts ATM kinase activity and protein levels but radiosensitivity was found to be intermediate compared to wild type (PMID: 18634022). The computational predictor REVEL gives a score of 0.85, which is above the threshold of 0.733, evidence that correlates with impact to ATM function. In summary, this variant meets criteria to be classified as a variant of uncertain significance for autosomal dominant ATM-related cancer predisposition and autosomal recessive Ataxia-Telangiectasia based on the ACMG/AMP criteria applied, as specified by the HBOP VCEP. (PM3, PM2_supporting, PS3_supporting, PP3)

Ambry Genetics
Classification: Likely pathogenic for Hereditary cancer-predisposing syndrome. Last evaluated: 2026-09-14. Review status: criteria provided, single submitter. Criteria: Ambry Variant Classification Scheme 2023. Collection method: clinical testing. Allele origin: germline. Not counted in ClinVar's aggregate classification.
Comment: The p.T1953I variant (also known as c.5858C>T) is located in coding exon 38 of the ATM gene. This alteration results from a C to T substitution at nucleotide position 5858. The threonine at codon 1953 is replaced by isoleucine, an amino acid with similar properties. This alteration was also reported in conjunction with another ATM alteration, p.W2109G, in an individual diagnosed with atypical AT who presented with truncal ataxia and telangiectasia since childhood (Mitui, M et al. Hum Mutat. 2009 Jan;30(1):12-21). Functional studies performed by Mitui et al. showed reduced expression and intermediate radiosensitivity, and led the authors to conclude that this alteration is most likely a "kinase-impaired" protein. In an assay testing ATM function, this variant showed a functionally normal result (Lee KS et al. Cell, 2025 Sep;188:5081-5099.e27). This alteration has been identified in at least one patient with a personal and family history of breast, ovarian cancer, and prostate cancer (Tung N et al. Cancer, 2015 Jan;121:25-33; Maxwell KN et al. Am J Hum Genet, 2016 May;98:801-817; Momozawa Y et al. J Natl Cancer Inst, 2020 04;112:369-376). This amino acid position is highly conserved in available vertebrate species. In addition, this alteration is predicted to be deleterious by in silico analysis. This variant is considered to be rare based on population cohorts in the Genome Aggregation Database (gnomAD). Based on the majority of available evidence to date, this variant is likely to be pathogenic.

Labcorp Genetics (formerly Invitae), Labcorp
Classification: Likely pathogenic for Ataxia-telangiectasia syndrome. Last evaluated: 2025-10-19. Review status: criteria provided, single submitter. Criteria: Invitae Variant Classification Sherloc (09022015). Collection method: clinical testing. Allele origin: germline. Not counted in ClinVar's aggregate classification.
Comment: This sequence change replaces threonine, which is neutral and polar, with isoleucine, which is neutral and non-polar, at codon 1953 of the ATM protein (p.Thr1953Ile). This variant is not present in population databases (gnomAD no frequency). This missense change has been observed in individual(s) with ataxia-telangiectasia and/or ATM-related cancers (PMID: 18634022, 25186627, 26896183, 31214711). ClinVar contains an entry for this variant (Variation ID: 141721). Invitae Evidence Modeling of protein sequence and biophysical properties (such as structural, functional, and spatial information, amino acid conservation, physicochemical variation, residue mobility, and thermodynamic stability) indicates that this missense variant is expected to disrupt ATM protein function with a positive predictive value of 80%. Experimental studies have shown that this missense change affects ATM function (PMID: 18634022). In summary, the currently available evidence indicates that the variant is pathogenic, but additional data are needed to prove that conclusively. Therefore, this variant has been classified as Likely Pathogenic.

Natera, Inc.
Classification: Likely pathogenic for Ataxia-telangiectasia. Last evaluated: 2025-02-01. Review status: criteria provided, single submitter. Criteria: Natera Variant Classification Schema (03/2026). Collection method: clinical testing. Allele origin: germline. Not counted in ClinVar's aggregate classification.
Comment: The c.5858C>T variant in ATM is a missense variant predicted to cause substitution of threonine to isoleucine at amino acid 1953. This variant is rare in the general population with a frequency below the threshold expected for the associated phenotype(s). This variant has been observed in one or more individuals affected with the associated recessive disease, as either homozygous or compound heterozygous with a second variant (PMID: 26896183, 18634022). Functional studies show that this variant may disrupt protein function (PMID: 18634022). Computational prediction algorithms indicate this variant is likely to affect gene or protein function. Given the available evidence, this variant is classified as Likely Pathogenic.

Women's Health and Genetics/Laboratory Corporation of America, LabCorp
Classification: Likely pathogenic for Ataxia-telangiectasia syndrome. Last evaluated: 2024-03-19. Review status: criteria provided, single submitter. Criteria: LabCorp Variant Classification Summary - May 2015. Collection method: clinical testing. Allele origin: germline. Not counted in ClinVar's aggregate classification.
Comment: Variant summary: ATM c.5858C>T (p.Thr1953Ile) results in a non-conservative amino acid change located in the PIK-related kinase domain (IPR014009) of the encoded protein sequence. Five of five in-silico tools predict a damaging effect of the variant on protein function. The variant was absent in 251084 control chromosomes. c.5858C>T has been reported in the literature in compound heterozygosity with other ATM variants in at-least two individuals affected with Ataxia-Telangiectasia (examples, Mitui_2009, Jackson_2016) and as a VUS in settings of multigene panel testing in one individual affected with breast cancer (example, Tung_2015). These data indicate that the variant may be associated with disease. At least one publication reports experimental evidence evaluating an impact on protein function, however, it was not possible to definitively demonstrate whether the lack of ATM functions was due to reduced ATM protein or leaky expression of a "kinase-impaired" protein (Mitui_2009). The following publications have been ascertained in the context of this evaluation (PMID: 26896183, 18634022, 25186627). ClinVar contains an entry for this variant (Variation ID: 141721) and at-least three peer submitters have classified the variant as Likely Pathogenic, two of whom cite overlapping evidence utilized in the context of this evaluation. Based on the evidence outlined above, pending additional clinical evidence supporting an unequivocal association with Ataxia-Telangiectasia, the variant was classified as likely pathogenic.

Quest Diagnostics Nichols Institute San Juan Capistrano
Classification: Likely pathogenic. Last evaluated: 2024-03-12. Review status: criteria provided, single submitter. Criteria: Quest Diagnostics criteria. Collection method: clinical testing. Allele origin: unknown. Not counted in ClinVar's aggregate classification.
Comment: The ATM c.5858C>T (p.Thr1953Ile) variant has been reported in the published literature in individuals with breast cancer (PMID: 25186627 (2017)) and prostate cancer (PMID: 31214711 (2020)). This variant has been identified in individuals with ataxia-telangiectasia (AT) who also carried other pathogenic ATM variants (PMID: 18634022 (2009), 26896183 (2016)). Assessment of experimental evidence suggests this variant results in abnormal protein function (PMID: 18634022 (2009)). This variant has not been reported in large, multi-ethnic general populations (Genome Aggregation Database). Analysis of this variant using bioinformatics tools for the prediction of the effect of amino acid changes on protein structure and function yielded predictions that this variant is damaging. Based on the available information, this variant is classified as likely pathogenic.

Fulgent Genetics
Classification: Likely pathogenic for Familial cancer of breast; Ataxia-telangiectasia syndrome. Last evaluated: 2024-02-26. Review status: criteria provided, single submitter. Criteria: ACMG Guidelines, 2015. Collection method: clinical testing. Allele origin: germline. Not counted in ClinVar's aggregate classification.

Color Diagnostics, LLC DBA Color Health
Classification: Likely pathogenic for Hereditary cancer-predisposing syndrome. Last evaluated: 2024-02-11. Review status: criteria provided, single submitter. Criteria: ACMG Guidelines, 2015. Collection method: clinical testing. Allele origin: germline. Not counted in ClinVar's aggregate classification.
Comment: This missense variant replaces threonine with isoleucine at codon 1953 of the ATM protein. Computational prediction suggests that this variant may have deleterious impact on protein structure and function. An in vitro functional study has shown that this variant results in significantly reduced ATM protein expression and kinase activity (PMID: 18634022). In addition, this variant has been observed in an adult affected with mild ataxia-telangiectasia phenotype, who also carried a variant of uncertain significance, p.Trp2109Gly, in the same gene (PMID: 18634022). This variant has not been identified in the general population by the Genome Aggregation Database (gnomAD). Based on the available evidence, this variant is classified as Likely Pathogenic.

Sema4
Classification: Likely pathogenic for Hereditary cancer-predisposing syndrome. Last evaluated: 2021-09-13. Review status: criteria provided, single submitter. Criteria: Sema4 Curation Guidelines. Collection method: curation. Allele origin: germline. Not counted in ClinVar's aggregate classification.
Comment: The ATM c.5858C>T (p.T1953I) variant has been reported as compound heterozygous in at least one individual with ataxia telangiectasia and as heterozygous in at least one individual with prostate cancer (PMID: 18634022, 31214711). Functional studies have shown that this variant alters the protein expression, kinase activity, and cell survival (PMID: 18634022). It was not observed in the Genome Aggregation Database. The variant has been reported in ClinVar (Variation ID 141721). Based on the current evidence available, this variant is interpreted as likely pathogenic.

Literature cited by the submitters: PubMed 18634022 (cited by 7 submitters); PubMed 25186627 (cited by 5 submitters); PubMed 26896183 (cited by 6 submitters); PubMed 27153395 (cited by Ambry Genetics); PubMed 31214711 (cited by 5 submitters); PubMed 40580951 (cited by Ambry Genetics).

NM_000051.4(ATM):c.5858C>T (p.Thr1953Ile)

Genes: ATM (ATM serine/threonine kinase; plus strand), C11orf65 (chromosome 11 open reading frame 65; minus strand). Cytogenetic location: 11q22.3.
Variant type: single nucleotide variant.
Coding change: c.5858C>T on transcript NM_000051.4 (MANE Select); coding-DNA position 5858, C replaced by T.
Protein change: p.Thr1953Ile; replaces threonine 1953 with isoleucine.
Molecular consequence: missense variant. On other transcripts: intron variant (2).
Genome position (GRCh38, 1-based): chr11:108,310,255, C>T. VCF-style: chr11-108310255-C-T. GRCh37 (hg19) VCF-style: chr11-108180982-C-T.
Other names: NM_000051.4(ATM):c.5858C>T; p.Thr1953Ile; c.5858C>T, p.Thr1953Ile (NM_001351834.2); c.641-1184G>A (NM_001330368.2); c.*39-1184G>A (NM_001351110.2); short protein forms T1953I.
Identifiers: ClinVar variation 141721 (VCV000141721.26), dbSNP rs587781963, ClinGen allele CA166228.